The following is an entry in ClinVar:

ClinVar aggregate classification (germline): Likely benign (0 of 4 stars; one submission).

Conditions:
ADCY3-related disorder. Also called: ADCY3-related condition.

Submission:

PreventionGenetics, part of Exact Sciences
Classification: Likely benign for ADCY3-related condition. Last evaluated: 2024-01-29. Review status: no assertion criteria provided. Collection method: clinical testing. Allele origin: germline.
Comment: This variant is classified as likely benign based on ACMG/AMP sequence variant interpretation guidelines (Richards et al. 2015 PMID: 25741868, with internal and published modifications).

NM_004036.5(ADCY3):c.1041C>A (p.Leu347=)

Gene: ADCY3 (adenylate cyclase 3; minus strand). Cytogenetic location: 2p23.3.
Variant type: single nucleotide variant.
Coding change: c.1041C>A on transcript NM_004036.5 (MANE Select); coding-DNA position 1041, C replaced by A.
Protein change: p.Leu347=; no amino-acid change (leucine 347 retained).
Molecular consequence: synonymous variant.
Genome position (GRCh38, 1-based): chr2:24,841,583, G>T on the plus strand (C>A on the coding strand, the complement: ADCY3 is on the minus strand). VCF-style: chr2-24841583-G-T. GRCh37 (hg19) VCF-style: chr2-25064452-G-T.
Other names: c.1041C>A, p.Leu347= (NM_001320613.2, NM_001377128.1, NM_001377129.1 and 2 more transcripts); c.318C>A, p.Leu106= (NM_001377131.1).
Identifiers: ClinVar variation 3349226 (VCV003349226.1).